The following is an entry in ClinVar:

ClinVar aggregate classification (germline): Likely pathogenic (1 of 4 stars; one submission).

Conditions:
Inborn genetic diseases. Identifiers: MedGen C0950123, MeSH D030342.

Submission:

Ambry Genetics
Classification: Likely pathogenic for Inborn genetic diseases. Last evaluated: 2026-04-03. Review status: criteria provided, single submitter. Criteria: Ambry Variant Classification Scheme 2023. Collection method: clinical testing. Allele origin: germline.
Comment: The c.1052+1G>A intronic variant consists of a G to A substitution one nucleotide after exon 9 (coding exon 9) of the MAOA gene. Variants that disrupt the canonical splice site are expected to cause aberrant splicing, resulting in an abnormal protein or a transcript that is subject to nonsense-mediated mRNA decay. This variant was not reported in population-based cohorts in the Genome Aggregation Database (gnomAD). This nucleotide position is highly conserved in available vertebrate species. In silico splice site analysis predicts that this alteration will weaken the native splice donor site and may result in the creation or strengthening of a novel splice donor site. Based on the available evidence, this alteration is classified as likely pathogenic.

NM_000240.4(MAOA):c.1052+1G>A

Gene: MAOA (monoamine oxidase A; plus strand). Cytogenetic location: Xp11.3.
Variant type: single nucleotide variant.
Coding change: c.1052+1G>A on transcript NM_000240.4 (MANE Select); the canonical splice donor site of the intron after coding-DNA position 1052, G replaced by A.
Molecular consequence: splice donor variant.
Genome position (GRCh38, 1-based): chrX:43,732,796, G>A. VCF-style: chrX-43732796-G-A. GRCh37 (hg19) VCF-style: chrX-43592043-G-A.
Other names: c.653+1G>A (NM_001270458.2).
Identifiers: ClinVar variation 4859486 (VCV004859486.1).